The following is an entry in ClinVar:

ClinVar aggregate classification (germline): Conflicting classifications of pathogenicity. Review status: criteria provided, conflicting classifications (1 of 4 stars). 14 submissions from 10 submitters: Uncertain significance (11); Benign (2); Likely benign (1). Last evaluated 2023-11-10.

Conditions:
Dilated cardiomyopathy 1G (CMD1G). Identifiers: Orphanet 154, MedGen C1858763, MONDO:0011400, OMIM 604145.
Autosomal recessive limb-girdle muscular dystrophy type 2J (LGMDR10). Also called: MUSCULAR DYSTROPHY, LIMB-GIRDLE, AUTOSOMAL RECESSIVE 10; Limb-girdle muscular dystrophy, type 2J. Identifiers: Orphanet 140922, MedGen C1837342, MONDO:0012127, OMIM 608807.
TTN-related disorder. Also called: TTN-related condition; TTN-related disease; TTN-related disorders.
Cardiovascular phenotype. Identifiers: MedGen CN230736.
Myopathy, myofibrillar, 9, with early respiratory failure (MFM9). Also called: EDSTROM MYOPATHY; MYOPATHY, PROXIMAL, WITH EARLY RESPIRATORY MUSCLE INVOLVEMENT; Myopathy, distal, with early respiratory failure, autosomal dominant; Hereditary myopathy with early respiratory failure. Identifiers: Orphanet 178464, Orphanet 34521, MedGen C1863599, MONDO:0011362, OMIM 603689.
Early-onset myopathy with fatal cardiomyopathy (CMYO5). Also called: CONGENITAL MYOPATHY 5 WITH CARDIOMYOPATHY; Salih Myopathy. Identifiers: Orphanet 289377, MedGen C2673677, MONDO:0012714, OMIM 611705. Disease mechanism: loss of function.
Tibial muscular dystrophy (TMD). Also called: UDD MYOPATHY; Tibial muscular dystrophy, tardive; Udd Distal Myopathy – Tibial Muscular Dystrophy. Identifiers: Orphanet 609, MedGen C1838244, MONDO:0010870, OMIM 600334.

Allele frequency attached by ClinVar (database versions not stated): gnomAD exomes 0.00008; 1000 Genomes Project 30x 0.00016; TOPMed 0.00001; gnomAD 0.00005 and 0.00007; ExAC 0.00008; 1000 Genomes Project 0.00020.
gnomAD v4.1: 74 of 1,607,360 alleles (0.0046%); highest among the groups gnomAD compares: East Asian, 0.045%; no homozygotes.

Submissions (14):

Women's Health and Genetics/Laboratory Corporation of America, LabCorp
Classification: Uncertain significance. Last evaluated: 2023-11-10. Review status: criteria provided, single submitter. Criteria: LabCorp Variant Classification Summary - May 2015. Collection method: clinical testing. Allele origin: germline.
Comment: Variant summary: TTN c.53228G>A (p.Arg17743Gln) results in a conservative amino acid change located in the A-band domain of the encoded protein sequence. Two of four in-silico tools predict a benign effect of the variant on protein function. The variant allele was found at a frequency of 8.5e-05 in 247214 control chromosomes (gnomAD). To our knowledge, no occurrence of c.53228G>A in individuals affected with Limb-Girdle Muscular Dystrophy, Type 2J and no experimental evidence demonstrating its impact on protein function have been reported. Six submitters have cited clinical-significance assessments for this variant to ClinVar after 2014 and classified this variant as uncertain significance (n=4), likely benign (n=1) and benign (n=1). Based on the evidence outlined above, the variant was classified as uncertain significance.

Revvity Omics, Revvity
Classification: Uncertain significance. Last evaluated: 2023-05-22. Review status: criteria provided, single submitter. Criteria: ACMG Guidelines, 2015. Collection method: clinical testing. Allele origin: germline.

PreventionGenetics, part of Exact Sciences
Classification: Uncertain significance for TTN-related condition. Last evaluated: 2022-09-28. Review status: criteria provided, single submitter. Criteria: ACMG Guidelines, 2015. Collection method: clinical testing. Allele origin: germline.
Comment: The TTN c.60932G>A variant is predicted to result in the amino acid substitution p.Arg20311Gln. To our knowledge, this variant has not been reported in the literature. This variant is reported in 0.093% of alleles in individuals of East Asian descent in gnomAD. At this time, the clinical significance of this variant is uncertain due to the absence of conclusive functional and genetic evidence.

Ambry Genetics
Classification: Likely benign for Cardiovascular phenotype. Last evaluated: 2019-12-15. Review status: criteria provided, single submitter. Criteria: Ambry Variant Classification Scheme 2023. Collection method: clinical testing. Allele origin: germline.

Victorian Clinical Genetics Services, Murdoch Childrens Research Institute
Classification: Uncertain significance for Dilated cardiomyopathy 1G. Last evaluated: 2019-08-28. Review status: criteria provided, single submitter. Criteria: ACMG Guidelines, 2015. Collection method: clinical testing. Allele origin: germline.
Comment: A heterozygous missense variant was identified, NM_001267550.1(TTN):c.60932G>A in exon 304 of 363 of the TTN gene. This substitution is predicted to create a minor amino acid change from arginine to glutamine at position 20311 of the protein, NP_001254479.1(TTN):p.(Arg20311Gln). The arginine at this position has very high conservation (100 vertebrates, UCSC), and is located within the A-band region. In silico software predicts this variant to be pathogenic (Polyphen, CADD, Mutation Taster). The variant is present in the gnomAD population database at frequencies of 0.09% (18 heterozygotes, 0 homozygotes) and 0.009% (25 heterozygotes, 0 homozygotes) in the East Asian subpopulation and the global population, respectively. It has been previously reported as a VUS in clinical cases (ClinVar, LOVD). Based on information available at the time of curation, this variant has been classified as a VARIANT of UNCERTAIN SIGNIFICANCE (VUS).

Illumina Laboratory Services, Illumina
Classification: Uncertain significance for Autosomal recessive limb-girdle muscular dystrophy type 2J. Last evaluated: 2018-01-13. Review status: criteria provided, single submitter. Criteria: ICSL Variant Classification Criteria 13 December 2019. Collection method: clinical testing. Allele origin: germline.

Illumina Laboratory Services, Illumina
Classification: Benign for Myopathy, myofibrillar, 9, with early respiratory failure. Last evaluated: 2018-01-13. Review status: criteria provided, single submitter. Criteria: ICSL Variant Classification Criteria 13 December 2019. Collection method: clinical testing. Allele origin: germline.
Comment: This variant was observed in the ICSL laboratory as part of a predisposition screen in an ostensibly healthy population. It had not been previously curated by ICSL or reported in the Human Gene Mutation Database (HGMD: prior to June 1st, 2018), and was therefore a candidate for classification through an automated scoring system. Utilizing variant allele frequency, disease prevalence and penetrance estimates, and inheritance mode, an automated score was calculated to assess if this variant is too frequent to cause the disease. Based on the score and internal cut-off values, a variant classified as benign is not then subjected to further curation. The score for this variant resulted in a classification of benign for this disease.

Illumina Laboratory Services, Illumina
Classification: Uncertain significance for Early-onset myopathy with fatal cardiomyopathy. Last evaluated: 2018-01-13. Review status: criteria provided, single submitter. Criteria: ICSL Variant Classification Criteria 13 December 2019. Collection method: clinical testing. Allele origin: germline.

Illumina Laboratory Services, Illumina
Classification: Benign for Tibial muscular dystrophy. Last evaluated: 2018-01-13. Review status: criteria provided, single submitter. Criteria: ICSL Variant Classification Criteria 13 December 2019. Collection method: clinical testing. Allele origin: germline.
Comment: the same text as in the submission from Illumina Laboratory Services, Illumina above.

Illumina Laboratory Services, Illumina
Classification: Uncertain significance for Dilated cardiomyopathy 1G. Last evaluated: 2018-01-13. Review status: criteria provided, single submitter. Criteria: ICSL Variant Classification Criteria 13 December 2019. Collection method: clinical testing. Allele origin: germline.

Labcorp Genetics (formerly Invitae), Labcorp
Classification: Uncertain significance for Dilated cardiomyopathy 1G; Autosomal recessive limb-girdle muscular dystrophy type 2J. Last evaluated: 2017-04-20. Review status: criteria provided, single submitter. Criteria: Invitae Variant Classification Sherloc (09022015). Collection method: clinical testing. Allele origin: germline.

Eurofins Ntd Llc (ga)
Classification: Uncertain significance. Last evaluated: 2017-01-11. Review status: criteria provided, single submitter. Criteria: EGL Classification Definitions 2015. Collection method: clinical testing. Allele origin: germline. Observed: 1 variant allele, 1 heterozygote.

Laboratory for Molecular Medicine, Mass General Brigham Personalized Medicine
Classification: Uncertain significance. Last evaluated: 2015-06-25. Review status: criteria provided, single submitter. Criteria: LMM Criteria. Collection method: clinical testing. Allele origin: germline. Observed: 1 variant allele.
Comment: The p.Arg17743Gln variant in TTN has not been previously reported in individuals with cardiomyopathy, but has been identified in 7/8474 East Asian chromosomes b y the Exome Aggregation Consortium (ExAC; dbSNP rs373062007). Computational prediction tools and conservation analysis suggest t hat this variant may impact the protein, though this information is not predicti ve enough to determine pathogenicity. In summary, the clinical significance of t he p.Arg17743Gln variant is uncertain.

Biesecker Lab/Clinical Genomics Section, National Institutes of Health
Classification: Uncertain significance. Last evaluated: 2013-06-24. Review status: criteria provided, single submitter. Criteria: Ng et al. (Circ Cardiovasc Genet. 2013). Collection method: research. Allele origin: unknown. Observed: 1 variant allele. Study: ClinSeq.
Comment: The study set was not selected for affection status in relation to any cancer. Pathogenicity categories were based on literature curation. See Pubmed ID:23861362 for details.

Medical sequencing

NM_001267550.2(TTN):c.60932G>A (p.Arg20311Gln)

Genes: TTN (titin; minus strand), TTN-AS1 (TTN antisense RNA 1; plus strand). Cytogenetic location: 2q31.2.
Variant type: single nucleotide variant.
Coding change: c.60932G>A on transcript NM_001267550.2 (MANE Select); coding-DNA position 60932, G replaced by A.
Protein change: p.Arg20311Gln; replaces arginine 20311 with glutamine.
Molecular consequence: missense variant.
Genome position (GRCh38, 1-based): chr2:178,590,793, C>T on the plus strand (G>A on the coding strand, the complement: TTN is on the minus strand). VCF-style: chr2-178590793-C-T. GRCh37 (hg19) VCF-style: chr2-179455520-C-T.
Other names: c.53228G>A, p.Arg17743Gln (NM_133378.4); c.56009G>A, p.Arg18670Gln (NM_001256850.1); c.33737G>A, p.Arg11246Gln (NM_003319.4); c.34112G>A, p.Arg11371Gln (NM_133432.3); c.34313G>A, p.Arg11438Gln (NM_133437.4); c.60932G>A (NM_001267550.1); short protein forms R17743Q, R20311Q, R11246Q, R11371Q, R11438Q, R18670Q.
Identifiers: ClinVar variation 191930 (VCV000191930.22), dbSNP rs373062007, ClinGen allele CA237900.
Genomic context (GRCh38, chr2:178,590,793, plus strand): 5'-CTGAACTTCAGGTCAGCGATAGGTGTTTTGTTGACCCTCACCCATTTGCCAGTTACTTCT[C>T]GACGTTCCATATAGTAGCCAGTTATTGGACTGCCACCATCAGATTTTGGCAGGGTCCAAG-3'
Protein context (NP_001254479.2, residues 20301-20321): SPITGYYMER[Arg20311Gln]EVTGKWVRVN